The following is an entry in ClinVar:

NM_001378615.1(CC2D2A):c.4491A>G (p.Gln1497=)

Genes: CC2D2A (coiled-coil and C2 domain containing 2A; plus strand), FBXL5 (F-box and leucine rich repeat protein 5; minus strand). Cytogenetic location: 4p15.32.
Variant type: single nucleotide variant.
Coding change: c.4491A>G on transcript NM_001378615.1 (MANE Select); coding-DNA position 4491, A replaced by G.
Protein change: p.Gln1497=; no amino-acid change (glutamine 1497 retained).
Molecular consequence: synonymous variant.
Genome position (GRCh38, 1-based): chr4:15,597,460, A>G. VCF-style: chr4-15597460-A-G. GRCh37 (hg19) VCF-style: chr4-15599083-A-G.
Other names: c.4491A>G, p.Gln1497= (NM_001080522.2); c.4344A>G, p.Gln1448= (NM_001378617.1).
Identifiers: ClinVar variation 1157397 (VCV001157397.33), dbSNP rs863225179, ClinGen allele CA438391141.

ClinVar aggregate classification (germline): Likely benign. Review status: criteria provided, multiple submitters, no conflicts (2 of 4 stars). 2 submissions from 2 submitters: Likely benign (2). Last evaluated 2022-11-01.

Conditions:
Joubert syndrome. Also called: JOUBERT-BOLTSHAUSER SYNDROME; Familial aplasia of the vermis. Identifiers: Orphanet 475, MedGen C5979921, MONDO:0018772.
Meckel-Gruber syndrome. Also called: DYSENCEPHALIA SPLANCHNOCYSTICA; GRUBER SYNDROME; Dysencephalia splachnocystica. Identifiers: Orphanet 564, MedGen C0265215, MONDO:0018921.

gnomAD v4.1: 5 of 1,553,190 alleles (0.00032%); highest among the groups gnomAD compares: Middle Eastern, 0.017%; no homozygotes.

Submissions (2):

CeGaT Center for Human Genetics Tuebingen
Classification: Likely benign. Last evaluated: 2022-11-01. Review status: criteria provided, single submitter. Criteria: CeGaT Center For Human Genetics Tuebingen Variant Classification Criteria Version 2. Collection method: clinical testing. Allele origin: germline. Affected: yes. Observed: 1 variant allele.
Comment: CC2D2A: PM2:Supporting, BP4, BP7

Labcorp Genetics (formerly Invitae), Labcorp
Classification: Likely benign for Joubert syndrome; Meckel-Gruber syndrome. Last evaluated: 2022-07-05. Review status: criteria provided, single submitter. Criteria: Invitae Variant Classification Sherloc (09022015). Collection method: clinical testing. Allele origin: germline.